The following is an entry in ClinVar:

ClinVar aggregate classification (germline): Likely benign (0 of 4 stars; one submission).

Conditions:
UBN2-related disorder. Also called: UBN2-related condition.

Allele frequency attached by ClinVar (database versions not stated): TOPMed 0.00006; ExAC 0.00008; gnomAD 0.00010.
gnomAD v4.1: 80 of 1,614,036 alleles (0.005%); highest among the groups gnomAD compares: Admixed American, 0.02%; no homozygotes.

Submission:

PreventionGenetics, part of Exact Sciences
Classification: Likely benign for UBN2-related condition. Last evaluated: 2019-04-11. Review status: no assertion criteria provided. Collection method: clinical testing. Allele origin: germline.
Comment: This variant is classified as likely benign based on ACMG/AMP sequence variant interpretation guidelines (Richards et al. 2015 PMID: 25741868, with internal and published modifications).

NM_173569.4(UBN2):c.3153C>T (p.Pro1051=)

Gene: UBN2 (ubinuclein 2; plus strand). Cytogenetic location: 7q34.
Variant type: single nucleotide variant.
Coding change: c.3153C>T on transcript NM_173569.4 (MANE Select); coding-DNA position 3153, C replaced by T.
Protein change: p.Pro1051=; no amino-acid change (proline 1051 retained).
Molecular consequence: synonymous variant.
Genome position (GRCh38, 1-based): chr7:139,284,058, C>T. VCF-style: chr7-139284058-C-T. GRCh37 (hg19) VCF-style: chr7-138968804-C-T.
Identifiers: ClinVar variation 3058609 (VCV003058609.2), dbSNP rs750101810, ClinGen allele CA4509314.
Genomic context (GRCh38, chr7:139,284,058, plus strand): 5'-CTCGATGGCTGCCTCCCCAAAACTTGCCGCATCTCCCAAGCCTGCCACATCTCCTAAACC[C>T]CTGCCCTCGCCTAAGCCTTCTGCCTCACCCAAGCCCTCTCTGTCAGCTAAGCCTTCAGTA-3'
Protein context (NP_775840.3, residues 1041-1061): ASPKPATSPK[Pro1051=]LPSPKPSASP